The following is an entry in ClinVar:

NM_021625.5(TRPV4):c.25C>T (p.Arg9Cys)

Gene: TRPV4 (transient receptor potential cation channel subfamily V member 4; minus strand). Cytogenetic location: 12q24.11.
Variant type: single nucleotide variant.
Coding change: c.25C>T on transcript NM_021625.5 (MANE Select); coding-DNA position 25, C replaced by T.
Protein change: p.Arg9Cys; replaces arginine 9 with cysteine.
Molecular consequence: missense variant.
Genome position (GRCh38, 1-based): chr12:109,814,772, G>A on the plus strand (C>T on the coding strand, the complement: TRPV4 is on the minus strand). VCF-style: chr12-109814772-G-A. GRCh37 (hg19) VCF-style: chr12-110252577-G-A.
Other names: c.25C>T, p.Arg9Cys (NM_001177428.2, NM_001177431.2, NM_001177433.2 and 1 more transcripts); short protein forms R9C.
Identifiers: ClinVar variation 429974 (VCV000429974.12), dbSNP rs758741868, ClinGen allele CA6780640.

ClinVar aggregate classification (germline): Uncertain significance. Review status: criteria provided, multiple submitters, no conflicts (2 of 4 stars). 4 submissions from 4 submitters: Uncertain significance (4). Last evaluated 2025-12-02.

Conditions:
TRPV4-related disorder. Also called: TRPV4-related disorders; TRPV4-related condition.
Inborn genetic diseases. Identifiers: MedGen C0950123, MeSH D030342.
Charcot-Marie-Tooth disease axonal type 2C (HMSN2C). Also called: CHARCOT-MARIE-TOOTH DISEASE, AXONAL, AUTOSOMAL DOMINANT, TYPE 2C; Charcot-Marie-Tooth Neuropathy Type 2C; Charcot-Marie-Tooth Disease Type 2, TRPV4-Related (CMT2C). Identifiers: Orphanet 99937, MedGen C1853710, MONDO:0011633, OMIM 606071.

Allele frequency attached by ClinVar (database versions not stated): gnomAD exomes 0.00003; gnomAD 0.00005 and 0.00006; TOPMed 0.00005; ExAC 0.00006.
gnomAD v4.1: 40 of 1,549,400 alleles (0.0026%); highest among the groups gnomAD compares: Admixed American, 0.0058%; no homozygotes.

Submissions (4):

PreventionGenetics, part of Exact Sciences
Classification: Uncertain significance for TRPV4-related condition. Last evaluated: 2025-12-02. Review status: criteria provided, single submitter. Criteria: ACMG Guidelines, 2015. Collection method: clinical testing. Allele origin: germline.
Comment: The TRPV4 c.25C>T variant is predicted to result in the amino acid substitution p.Arg9Cys. To our knowledge, this variant has not been reported in the literature. This variant is reported in 0.0068% of alleles in individuals of European (Non-Finnish) descent in gnomAD. At this time, the clinical significance of this variant is uncertain due to the absence of conclusive functional and genetic evidence.

Labcorp Genetics (formerly Invitae), Labcorp
Classification: Uncertain significance for Charcot-Marie-Tooth disease axonal type 2C. Last evaluated: 2025-01-26. Review status: criteria provided, single submitter. Criteria: Invitae Variant Classification Sherloc (09022015). Collection method: clinical testing. Allele origin: germline.
Comment: This sequence change replaces arginine, which is basic and polar, with cysteine, which is neutral and slightly polar, at codon 9 of the TRPV4 protein (p.Arg9Cys). This variant is present in population databases (rs758741868, gnomAD 0.006%). This variant has not been reported in the literature in individuals affected with TRPV4-related conditions. ClinVar contains an entry for this variant (Variation ID: 429974). Invitae Evidence Modeling of protein sequence and biophysical properties (such as structural, functional, and spatial information, amino acid conservation, physicochemical variation, residue mobility, and thermodynamic stability) indicates that this missense variant is not expected to disrupt TRPV4 protein function with a negative predictive value of 95%. In summary, the available evidence is currently insufficient to determine the role of this variant in disease. Therefore, it has been classified as a Variant of Uncertain Significance.

Ambry Genetics
Classification: Uncertain significance for Inborn genetic diseases. Last evaluated: 2020-03-05. Review status: criteria provided, single submitter. Criteria: Ambry Variant Classification Scheme 2023. Collection method: clinical testing. Allele origin: germline.
Comment: The p.R9C variant (also known as c.25C>T), located in coding exon 1 of the TRPV4 gene, results from a C to T substitution at nucleotide position 25. The arginine at codon 9 is replaced by cysteine, an amino acid with highly dissimilar properties. This amino acid position is not well conserved in available vertebrate species. In addition, this alteration is predicted to be tolerated by in silico analysis. Since supporting evidence is limited at this time, the clinical significance of this alteration remains unclear.

GeneDx
Classification: Uncertain significance. Last evaluated: 2017-05-15. Review status: criteria provided, single submitter. Criteria: GeneDx Variant Classification (06012015). Collection method: clinical testing. Allele origin: germline. Affected: yes.
Comment: A variant of uncertain significance has been identified in the TRPV4 gene. The R9C variant has not been published as a pathogenic variant, nor has it been reported as a benign variant to our knowledge. The R9C variant is observed in 1/6662 (0.02%) alleles from individuals of European background, in the ExAC dataset (Lek et al., 2016; 1000 Genomes Consortium et al., 2015; Exome Variant Server). The R9C variant is a non-conservative amino acid substitution, which is likely to impact secondary protein structure as these residues differ in polarity, charge, size and/or other properties. However, this substitution occurs at a position that is not conserved. In silico analysis is inconsistent in its predictions as to whether or not the variant is damaging to the protein structure/function. Therefore, based on the currently available information, it is unclear whether this variant is a pathogenic variant or a rare benign variant.